The following is an entry in ClinVar:

ClinVar aggregate classification (germline): Uncertain significance. Review status: criteria provided, multiple submitters, no conflicts (2 of 4 stars). 4 submissions from 4 submitters: Uncertain significance (4). Last evaluated 2025-12-15.

Conditions:
Inborn genetic diseases. Identifiers: MedGen C0950123, MeSH D030342.
Cohen syndrome (COH1). Also called: PEPPER SYNDROME; Cutis verticis gyrata, retinitis pigmentosa, and sensorineural deafness. Identifiers: Orphanet 193, MedGen C0265223, MONDO:0008999, OMIM 216550.

Allele frequency attached by ClinVar (database versions not stated): gnomAD exomes below 0.00001 and 0.00001.
gnomAD v4.1: 1 of 1,594,774 alleles (0.000063%); highest among the groups gnomAD compares: Non-Finnish European, 0.000085%; no homozygotes.

Submissions (4):

Ambry Genetics
Classification: Uncertain significance for Inborn genetic diseases. Last evaluated: 2025-12-15. Review status: criteria provided, single submitter. Criteria: Ambry Variant Classification Scheme 2023. Collection method: clinical testing. Allele origin: germline.

GeneDx
Classification: Uncertain significance. Last evaluated: 2024-06-25. Review status: criteria provided, single submitter. Criteria: GeneDx Variant Classification Process June 2021. Collection method: clinical testing. Allele origin: germline. Affected: yes.
Comment: Not observed at significant frequency in large population cohorts (gnomAD); In silico analysis indicates that this missense variant does not alter protein structure/function; Has not been previously published as pathogenic or benign to our knowledge

St. Jude Molecular Pathology, St. Jude Children's Research Hospital
Classification: Uncertain significance for Cohen syndrome. Last evaluated: 2023-11-29. Review status: criteria provided, single submitter. Criteria: St. Jude Assertion Criteria 2020. Collection method: clinical testing. Allele origin: germline.
Comment: The VPS13B c.11197C>A (p.Leu3733Met) missense change has a maximum subpopulation frequency of 0.0058% in gnomAD v2.1.1. The in silico tool REVEL is inconclusive about a pathogenic or benign effect of this variant on protein function, and to our knowledge functional studies have not been performed. To our knowledge, this variant has not been reported in individuals with Cohen syndrome. In summary, the evidence currently available is insufficient to determine the clinical significance of this variant. It has therefore been classified as of uncertain significance.

Labcorp Genetics (formerly Invitae), Labcorp
Classification: Uncertain significance for Cohen syndrome. Last evaluated: 2019-12-30. Review status: criteria provided, single submitter. Criteria: Invitae Variant Classification Sherloc (09022015). Collection method: clinical testing. Allele origin: germline.
Comment: This sequence change replaces leucine with methionine at codon 3758 of the VPS13B protein (p.Leu3758Met). The leucine residue is moderately conserved and there is a small physicochemical difference between leucine and methionine. This variant is not present in population databases (ExAC no frequency). In summary, the available evidence is currently insufficient to determine the role of this variant in disease. Therefore, it has been classified as a Variant of Uncertain Significance. Algorithms developed to predict the effect of missense changes on protein structure and function are either unavailable or do not agree on the potential impact of this missense change (SIFT: "Not Available"; PolyPhen-2: "Possibly Damaging"; Align-GVGD: "Class Not Available"). This variant has not been reported in the literature in individuals with VPS13B-related conditions.

NM_152564.5(VPS13B):c.11197C>A (p.Leu3733Met)

Gene: VPS13B (vacuolar protein sorting 13 homolog B; plus strand). Cytogenetic location: 8q22.2.
Variant type: single nucleotide variant.
Coding change: c.11197C>A on transcript NM_152564.5 (MANE Select); coding-DNA position 11197, C replaced by A.
Protein change: p.Leu3733Met; replaces leucine 3733 with methionine.
Molecular consequence: missense variant.
Genome position (GRCh38, 1-based): chr8:99,861,928, C>A. VCF-style: chr8-99861928-C-A. GRCh37 (hg19) VCF-style: chr8-100874156-C-A.
Other names: c.11272C>A, p.Leu3758Met (NM_017890.5); c.11272C>A (NM_017890.3); c.11197C>A (NM_152564.4); short protein forms L3733M, L3758M.
Identifiers: ClinVar variation 859539 (VCV000859539.11), dbSNP rs1318142770, ClinGen allele CA371790727.